The following is an entry in ClinVar:

NM_001267550.2(TTN):c.18893T>C (p.Ile6298Thr)

Genes: TTN (titin; minus strand), LOC126806430 (BRD4-independent group 4 enhancer GRCh37_chr2:179593794-179594993; plus strand). Cytogenetic location: 2q31.2.
Variant type: single nucleotide variant.
Coding change: c.18893T>C on transcript NM_001267550.2 (MANE Select); coding-DNA position 18893, T replaced by C.
Protein change: p.Ile6298Thr; replaces isoleucine 6298 with threonine.
Molecular consequence: missense variant. On other transcripts: intron variant (3).
Genome position (GRCh38, 1-based): chr2:178,729,145, A>G on the plus strand (T>C on the coding strand, the complement: TTN is on the minus strand). VCF-style: chr2-178729145-A-G. GRCh37 (hg19) VCF-style: chr2-179593872-A-G.
Other names: p.I5054T:ATA>ACA; p.Ile5981Thr; c.17942T>C, p.Ile5981Thr (NM_001256850.1); c.15161T>C, p.Ile5054Thr (NM_133378.4); c.13282+8937T>C (NM_003319.4); c.13858+8937T>C (NM_133437.4); c.13657+8937T>C (NM_133432.3); short protein forms I5054T, I6298T, I5981T.
Identifiers: ClinVar variation 202352 (VCV000202352.11), dbSNP rs375571785, ClinGen allele CA309180.

ClinVar aggregate classification (germline): Conflicting classifications of pathogenicity. Review status: criteria provided, conflicting classifications (1 of 4 stars). 5 submissions from 5 submitters: Uncertain significance (4); Likely benign (1). Last evaluated 2026-05-14.

Conditions:
TTN-related disorder. Also called: TTN-related disorders; TTN-related condition; TTN-related disease.
Dilated cardiomyopathy 1G (CMD1G). Identifiers: Orphanet 154, MedGen C1858763, MONDO:0011400, OMIM 604145.
Tibial muscular dystrophy (TMD). Also called: Udd Distal Myopathy – Tibial Muscular Dystrophy; Tibial muscular dystrophy, tardive; UDD MYOPATHY. Identifiers: Orphanet 609, MedGen C1838244, MONDO:0010870, OMIM 600334.
Myopathy, myofibrillar, 9, with early respiratory failure (MFM9). Also called: Hereditary myopathy with early respiratory failure; EDSTROM MYOPATHY; Myopathy, distal, with early respiratory failure, autosomal dominant; MYOPATHY, PROXIMAL, WITH EARLY RESPIRATORY MUSCLE INVOLVEMENT. Identifiers: Orphanet 178464, Orphanet 34521, MedGen C1863599, MONDO:0011362, OMIM 603689.
Early-onset myopathy with fatal cardiomyopathy (CMYO5). Also called: CONGENITAL MYOPATHY 5 WITH CARDIOMYOPATHY; Salih Myopathy. Identifiers: Orphanet 289377, MedGen C2673677, MONDO:0012714, OMIM 611705. Disease mechanism: loss of function.
Autosomal recessive limb-girdle muscular dystrophy type 2J (LGMDR10). Also called: MUSCULAR DYSTROPHY, LIMB-GIRDLE, AUTOSOMAL RECESSIVE 10; Limb-girdle muscular dystrophy, type 2J. Identifiers: Orphanet 140922, MedGen C1837342, MONDO:0012127, OMIM 608807.
Hypertrophic cardiomyopathy 9. Also called: Familial hypertrophic cardiomyopathy 9. Identifiers: MedGen C1861065, MONDO:0013412, OMIM 613765.

Allele frequency attached by ClinVar (database versions not stated): ESP Exome Variant Server 0.00008; 1000 Genomes Project 30x 0.00016; 1000 Genomes Project 0.00020; TOPMed 0.00007; gnomAD 0.00006 and 0.00007.
gnomAD v4.1: 49 of 1,590,620 alleles (0.0031%); highest among the groups gnomAD compares: African/African-American, 0.013%; no homozygotes.

Submissions (5):

PreventionGenetics, part of Exact Sciences
Classification: Uncertain significance for TTN-related condition. Last evaluated: 2026-05-14. Review status: criteria provided, single submitter. Criteria: ACMG Guidelines, 2015. Collection method: clinical testing. Allele origin: germline.
Comment: The TTN c.18893T>C variant is predicted to result in the amino acid substitution p.Ile6298Thr. To our knowledge, this variant has not been reported in the literature. This variant is reported in 0.017% of alleles in individuals of African descent in gnomAD. At this time, the clinical significance of this variant is uncertain due to the absence of conclusive functional and genetic evidence.

Revvity Omics, Revvity
Classification: Uncertain significance. Last evaluated: 2025-03-18. Review status: criteria provided, single submitter. Criteria: ACMG Guidelines, 2015. Collection method: clinical testing. Allele origin: germline.

Department of Pathology and Laboratory Medicine, Sinai Health System
Classification: Uncertain significance for Tibial muscular dystrophy; Myopathy, myofibrillar, 9, with early respiratory failure; Dilated cardiomyopathy 1G; Autosomal recessive limb-girdle muscular dystrophy type 2J; Early-onset myopathy with fatal cardiomyopathy; Hypertrophic cardiomyopathy 9. Last evaluated: 2022-04-26. Review status: criteria provided, single submitter. Criteria: ACMG Guidelines, 2015. Collection method: research. Allele origin: germline.

Mayo Clinic Laboratories, Mayo Clinic
Classification: Uncertain significance. Last evaluated: 2021-10-05. Review status: criteria provided, single submitter. Criteria: ACMG Guidelines, 2015. Collection method: clinical testing. Allele origin: germline.

GeneDx
Classification: Likely benign. Last evaluated: 2020-10-15. Review status: criteria provided, single submitter. Criteria: GeneDx Variant Classification Process June 2021. Collection method: clinical testing. Allele origin: germline. Affected: yes.